The following is an entry in ClinVar:

ClinVar aggregate classification (germline): Uncertain significance (1 of 4 stars; one submission).

gnomAD v4.1: 12 of 1,614,014 alleles (0.00074%); highest among the groups gnomAD compares: East Asian, 0.027%; no homozygotes.

Submission:

GeneDx
Classification: Uncertain significance. Last evaluated: 2026-06-18. Review status: criteria provided, single submitter. Criteria: GeneDx Variant Classification Process June 2021. Collection method: clinical testing. Allele origin: germline.
Comment: In silico analysis supports that this missense variant has a deleterious effect on protein structure/function; Has not been previously published as pathogenic or benign to our knowledge

NM_032578.4(MYPN):c.2863C>G (p.Arg955Gly)

Gene: MYPN (myopalladin; plus strand). Cytogenetic location: 10q21.3.
Variant type: single nucleotide variant.
Coding change: c.2863C>G on transcript NM_032578.4 (MANE Select); coding-DNA position 2863, C replaced by G.
Protein change: p.Arg955Gly; replaces arginine 955 with glycine.
Molecular consequence: missense variant. On other transcripts: non-coding transcript variant (2).
Genome position (GRCh38, 1-based): chr10:68,189,064, C>G. VCF-style: chr10-68189064-C-G. GRCh37 (hg19) VCF-style: chr10-69948821-C-G.
Other names: c.2863C>G, p.Arg955Gly (NM_001256267.2); c.1981C>G, p.Arg661Gly (NM_001256268.2); short protein forms R661G, R955G.
Identifiers: ClinVar variation 4072531 (VCV004072531.2).
Genomic context (GRCh38, chr10:68,189,064, plus strand): 5'-GATGAGATCCCCACGGGCAAGTGTATTGCTCCCATCTTTGACAAGAGACTCAAGCACTTC[C>G]GGGTCACAGAAGGCTCTCCAGTTACATTCACCTGCAAAATTGTTGGGATACCTGTTCCAA-3'
Protein context (NP_115967.2, residues 945-965): PIFDKRLKHF[Arg955Gly]VTEGSPVTFT